The following is an entry in ClinVar:

ClinVar aggregate classification (germline): Uncertain significance (1 of 4 stars; one submission).

Conditions:
Brachyolmia-amelogenesis imperfecta syndrome. Also called: PLATYSPONDYLY WITH AMELOGENESIS IMPERFECTA; Tooth agenesis, selective, 6; Dental anomalies and short stature. Identifiers: Orphanet 2899, MedGen C1832594, MONDO:0011018, OMIM 601216. Disease mechanism: loss of function.

Submission:

Labcorp Genetics (formerly Invitae), Labcorp
Classification: Uncertain significance for Brachyolmia-amelogenesis imperfecta syndrome. Last evaluated: 2024-04-03. Review status: criteria provided, single submitter. Criteria: Invitae Variant Classification Sherloc (09022015). Collection method: clinical testing. Allele origin: germline.
Comment: This sequence change replaces proline, which is neutral and non-polar, with alanine, which is neutral and non-polar, at codon 255 of the LTBP3 protein (p.Pro255Ala). This variant is not present in population databases (gnomAD no frequency). This variant has not been reported in the literature in individuals affected with LTBP3-related conditions. An algorithm developed to predict the effect of missense changes on protein structure and function (PolyPhen-2) suggests that this variant is likely to be tolerated. In summary, the available evidence is currently insufficient to determine the role of this variant in disease. Therefore, it has been classified as a Variant of Uncertain Significance.

NM_001130144.3(LTBP3):c.763C>G (p.Pro255Ala)

Gene: LTBP3 (latent transforming growth factor beta binding protein 3; minus strand). Cytogenetic location: 11q13.1.
Variant type: single nucleotide variant.
Coding change: c.763C>G on transcript NM_001130144.3 (MANE Select); coding-DNA position 763, C replaced by G.
Protein change: p.Pro255Ala; replaces proline 255 with alanine.
Molecular consequence: missense variant.
Genome position (GRCh38, 1-based): chr11:65,553,802, G>C on the plus strand (C>G on the coding strand, the complement: LTBP3 is on the minus strand). VCF-style: chr11-65553802-G-C. GRCh37 (hg19) VCF-style: chr11-65321273-G-C.
Other names: c.412C>G, p.Pro138Ala (NM_001164266.1); c.763C>G, p.Pro255Ala (NM_021070.4); short protein forms P138A, P255A.
Identifiers: ClinVar variation 3681237 (VCV003681237.2).